The following is an entry in ClinVar:

NM_004655.4(AXIN2):c.1543C>A (p.His515Asn)

Gene: AXIN2 (axin 2; minus strand). Cytogenetic location: 17q24.1.
Variant type: single nucleotide variant.
Coding change: c.1543C>A on transcript NM_004655.4 (MANE Select); coding-DNA position 1543, C replaced by A.
Protein change: p.His515Asn; replaces histidine 515 with asparagine.
Molecular consequence: missense variant.
Genome position (GRCh38, 1-based): chr17:65,537,493, G>T on the plus strand (C>A on the coding strand, the complement: AXIN2 is on the minus strand). VCF-style: chr17-65537493-G-T. GRCh37 (hg19) VCF-style: chr17-63533611-G-T.
Other names: c.1543C>A, p.His515Asn (NM_001363813.1); short protein forms H515N.
Identifiers: ClinVar variation 2011723 (VCV002011723.4), dbSNP rs1274418296, ClinGen allele CA400677300.
Genomic context (GRCh38, chr17:65,537,493, plus strand): 5'-CCTCCGCCTCGATCTCCTCCTTGGTCTTGGGGACGGCATGGTGGTGGATGTAGTGGTGGT[G>T]GACATGCTTCGTCGTCTGCTTGGTCACAAAGCCTTTGCCCCCGAGGAGGGGGCAGGCGCC-3'
Protein context (NP_004646.3, residues 505-525): FVTKQTTKHV[His515Asn]HHYIHHHAVP

ClinVar aggregate classification (germline): Uncertain significance (1 of 4 stars; one submission).

Conditions:
Oligodontia-cancer predisposition syndrome. Also called: TOOTH AGENESIS-COLORECTAL CANCER SYNDROME. Identifiers: Orphanet 300576, MedGen C1837750, MONDO:0012075, OMIM 608615. Disease mechanism: loss of function.

Submission:

Labcorp Genetics (formerly Invitae), Labcorp
Classification: Uncertain significance for Oligodontia-cancer predisposition syndrome. Last evaluated: 2022-07-14. Review status: criteria provided, single submitter. Criteria: Invitae Variant Classification Sherloc (09022015). Collection method: clinical testing. Allele origin: germline.
Comment: In summary, the available evidence is currently insufficient to determine the role of this variant in disease. Therefore, it has been classified as a Variant of Uncertain Significance. Algorithms developed to predict the effect of missense changes on protein structure and function are either unavailable or do not agree on the potential impact of this missense change (SIFT: "Tolerated"; PolyPhen-2: "Probably Damaging"; Align-GVGD: "Class C0"). This variant has not been reported in the literature in individuals affected with AXIN2-related conditions. This variant is not present in population databases (gnomAD no frequency). This sequence change replaces histidine, which is basic and polar, with asparagine, which is neutral and polar, at codon 515 of the AXIN2 protein (p.His515Asn).